The following is an entry in ClinVar:

ClinVar aggregate classification (germline): Uncertain significance. Review status: criteria provided, multiple submitters, no conflicts (2 of 4 stars). 2 submissions from 2 submitters: Uncertain significance (2). Last evaluated 2024-04-22.

Conditions:
Cardiovascular phenotype. Identifiers: MedGen CN230736.
Progressive familial heart block type IB (PFHB1B). Identifiers: Orphanet 871, MedGen C1970298, MONDO:0011474, OMIM 604559.

gnomAD v4.1: 3 of 1,606,674 alleles (0.00019%); highest among the groups gnomAD compares: South Asian, 0.0033%; no homozygotes.

Submissions (2):

Labcorp Genetics (formerly Invitae), Labcorp
Classification: Uncertain significance for Progressive familial heart block type IB. Last evaluated: 2024-04-22. Review status: criteria provided, single submitter. Criteria: Invitae Variant Classification Sherloc (09022015). Collection method: clinical testing. Allele origin: germline.
Comment: This sequence change replaces alanine, which is neutral and non-polar, with serine, which is neutral and polar, at codon 83 of the TRPM4 protein (p.Ala83Ser). This variant is present in population databases (rs777992375, gnomAD 0.007%). This variant has not been reported in the literature in individuals affected with TRPM4-related conditions. Algorithms developed to predict the effect of missense changes on protein structure and function output the following: SIFT: "Not Available"; PolyPhen-2: "Benign"; Align-GVGD: "Not Available". The serine amino acid residue is found in multiple mammalian species, which suggests that this missense change does not adversely affect protein function. In summary, the available evidence is currently insufficient to determine the role of this variant in disease. Therefore, it has been classified as a Variant of Uncertain Significance.

Ambry Genetics
Classification: Uncertain significance for Cardiovascular phenotype. Last evaluated: 2023-12-12. Review status: criteria provided, single submitter. Criteria: Ambry Variant Classification Scheme 2023. Collection method: clinical testing. Allele origin: germline.

NM_017636.4(TRPM4):c.247G>T (p.Ala83Ser)

Gene: TRPM4 (transient receptor potential cation channel subfamily M member 4; plus strand). Cytogenetic location: 19q13.33.
Variant type: single nucleotide variant.
Coding change: c.247G>T on transcript NM_017636.4 (MANE Select); coding-DNA position 247, G replaced by T.
Protein change: p.Ala83Ser; replaces alanine 83 with serine.
Molecular consequence: missense variant. On other transcripts: 5 prime UTR variant (1), intron variant (2).
Genome position (GRCh38, 1-based): chr19:49,166,195, G>T. VCF-style: chr19-49166195-G-T. GRCh37 (hg19) VCF-style: chr19-49669452-G-T.
Other names: c.247G>T, p.Ala83Ser (NM_001195227.2, NM_001321281.2); c.-1126G>T (NM_001321282.2); c.-74-2065G>T (NM_001321283.2); c.-237-2358G>T (NM_001321285.2); short protein forms A83S.
Identifiers: ClinVar variation 3183346 (VCV003183346.3), dbSNP rs777992375, ClinGen allele CA9568736.
Genomic context (GRCh38, chr19:49,166,195, plus strand): 5'-AGCGATGCACACACCACGGAGAAGCCCACCGATGCCTACGGAGAGCTGGACTTCACGGGG[G>T]CCGGCCGCAAGCACAGCAATGTGAGGCGGGCCTCTGTGGGCGGGGCCCGGGCACCAGGGG-3'
Protein context (NP_060106.2, residues 73-93): DAYGELDFTG[Ala83Ser]GRKHSNFLRL